The following is an entry in ClinVar:

NM_001006658.3(CR2):c.1559G>A (p.Arg520His)

Gene: CR2 (complement C3d receptor 2; plus strand). Cytogenetic location: 1q32.2.
Variant type: single nucleotide variant.
Coding change: c.1559G>A on transcript NM_001006658.3 (MANE Select); coding-DNA position 1559, G replaced by A.
Protein change: p.Arg520His; replaces arginine 520 with histidine.
Molecular consequence: missense variant.
Genome position (GRCh38, 1-based): chr1:207,471,488, G>A. VCF-style: chr1-207471488-G-A. GRCh37 (hg19) VCF-style: chr1-207644833-G-A.
Other names: c.1559G>A, p.Arg520His (NM_001877.5); short protein forms R520H.
Identifiers: ClinVar variation 863069 (VCV000863069.7), dbSNP rs772909129, ClinGen allele CA1368751.

ClinVar aggregate classification (germline): Uncertain significance (1 of 4 stars; one submission).

Conditions:
Immunodeficiency, common variable, 7. Identifiers: Orphanet 1572, Orphanet 696894, MedGen C3542922, MONDO:0013862, OMIM 614699.

Allele frequency attached by ClinVar (database versions not stated): gnomAD 0.00002; ExAC 0.00003; gnomAD exomes 0.00004; TOPMed 0.00003.

Submission:

Labcorp Genetics (formerly Invitae), Labcorp
Classification: Uncertain significance for Immunodeficiency, common variable, 7. Last evaluated: 2022-09-01. Review status: criteria provided, single submitter. Criteria: Invitae Variant Classification Sherloc (09022015). Collection method: clinical testing. Allele origin: germline.
Comment: This sequence change replaces arginine, which is basic and polar, with histidine, which is basic and polar, at codon 520 of the CR2 protein (p.Arg520His). This variant is present in population databases (rs772909129, gnomAD 0.02%). This variant has not been reported in the literature in individuals affected with CR2-related conditions. ClinVar contains an entry for this variant (Variation ID: 863069). Algorithms developed to predict the effect of missense changes on protein structure and function are either unavailable or do not agree on the potential impact of this missense change (SIFT: "Deleterious"; PolyPhen-2: "Benign"; Align-GVGD: "Class C0"). In summary, the available evidence is currently insufficient to determine the role of this variant in disease. Therefore, it has been classified as a Variant of Uncertain Significance.